The following is an entry in ClinVar:

ClinVar aggregate classification (germline): Uncertain significance (1 of 4 stars; one submission).

Conditions:
PLXNA1-related disorder. Also called: PLXNA1-related condition.

Submission:

PreventionGenetics, part of Exact Sciences
Classification: Uncertain significance for PLXNA1-related condition. Last evaluated: 2025-07-17. Review status: criteria provided, single submitter. Criteria: ACMG Guidelines, 2015. Collection method: clinical testing. Allele origin: germline.
Comment: The PLXNA1 c.4382T>C variant is predicted to result in the amino acid substitution p.Leu1461Pro. To our knowledge, this variant has not been reported in the literature or in a large population database (gnomAD), indicating this variant is rare. At this time, the clinical significance of this variant is uncertain due to the absence of conclusive functional and genetic evidence.

NM_032242.4(PLXNA1):c.4382T>C (p.Leu1461Pro)

Gene: PLXNA1 (plexin A1; plus strand). Cytogenetic location: 3q21.3.
Variant type: single nucleotide variant.
Coding change: c.4382T>C on transcript NM_032242.4 (MANE Select); coding-DNA position 4382, T replaced by C.
Protein change: p.Leu1461Pro; replaces leucine 1461 with proline.
Molecular consequence: missense variant.
Genome position (GRCh38, 1-based): chr3:127,027,959, T>C. VCF-style: chr3-127027959-T-C. GRCh37 (hg19) VCF-style: chr3-126746802-T-C.
Other names: short protein forms L1461P.
Identifiers: ClinVar variation 4998118 (VCV004998118.1).